The following is an entry in ClinVar:

NM_001349253.2(SCN11A):c.58A>T (p.Thr20Ser)

Gene: SCN11A (sodium voltage-gated channel alpha subunit 11; minus strand). Cytogenetic location: 3p22.2.
Variant type: single nucleotide variant.
Coding change: c.58A>T on transcript NM_001349253.2 (MANE Select); coding-DNA position 58, A replaced by T.
Protein change: p.Thr20Ser; replaces threonine 20 with serine.
Molecular consequence: missense variant.
Genome position (GRCh38, 1-based): chr3:38,950,305, T>A on the plus strand (A>T on the coding strand, the complement: SCN11A is on the minus strand). VCF-style: chr3-38950305-T-A. GRCh37 (hg19) VCF-style: chr3-38991796-T-A.
Other names: c.58A>T, p.Thr20Ser (NM_014139.3); short protein forms T20S.
Identifiers: ClinVar variation 1750377 (VCV001750377.2), dbSNP rs750104113, ClinGen allele CA352176892.
Genomic context (GRCh38, chr3:38,950,305, plus strand): 5'-ACTTCTTTTTCTCCTTTTGGATGGCAATCCGCTTCTCAATTGCAGCCAGAGAGTCGGAAG[T>A]GAAGGGGCGGAAATTCCGCTCATCTGGAAAGATTACTGGGTAGCATCTGTCATCCATCTT-3'
Protein context (NP_001336182.1, residues 10-30): FPDERNFRPF[Thr20Ser]SDSLAAIEKR

ClinVar aggregate classification (germline): Uncertain significance (1 of 4 stars; one submission).

Conditions:
Inborn genetic diseases. Identifiers: MedGen C0950123, MeSH D030342.

Submission:

Ambry Genetics
Classification: Uncertain significance for Inborn genetic diseases. Last evaluated: 2020-02-21. Review status: criteria provided, single submitter. Criteria: Ambry Variant Classification Scheme 2023. Collection method: clinical testing. Allele origin: germline.
Comment: The p.T20S variant (also known as c.58A>T), located in coding exon 1 of the SCN11A gene, results from an A to T substitution at nucleotide position 58. The threonine at codon 20 is replaced by serine, an amino acid with similar properties. This amino acid position is highly conserved in available vertebrate species. In addition, the in silico prediction for this alteration is inconclusive. Since supporting evidence is limited at this time, the clinical significance of this alteration remains unclear.